The following is an entry in ClinVar:

ClinVar aggregate classification (germline): Uncertain significance (1 of 4 stars; one submission).

Submission:

Labcorp Genetics (formerly Invitae), Labcorp
Classification: Uncertain significance. Last evaluated: 2021-04-27. Review status: criteria provided, single submitter. Criteria: Invitae Variant Classification Sherloc (09022015). Collection method: clinical testing. Allele origin: germline.
Comment: In summary, the available evidence is currently insufficient to determine the role of this variant in disease. Therefore, it has been classified as a Variant of Uncertain Significance. Algorithms developed to predict the effect of missense changes on protein structure and function (SIFT, PolyPhen-2, Align-GVGD) all suggest that this variant is likely to be disruptive, but these predictions have not been confirmed by published functional studies and their clinical significance is uncertain. This variant has not been reported in the literature in individuals with XRCC2-related conditions. This variant is not present in population databases (ExAC no frequency). This sequence change replaces aspartic acid with tyrosine at codon 186 of the XRCC2 protein (p.Asp186Tyr). The aspartic acid residue is weakly conserved and there is a large physicochemical difference between aspartic acid and tyrosine.

NM_005431.2(XRCC2):c.556G>T (p.Asp186Tyr)

Gene: XRCC2 (X-ray repair cross complementing 2; minus strand). Cytogenetic location: 7q36.1.
Variant type: single nucleotide variant.
Coding change: c.556G>T on transcript NM_005431.2 (MANE Select); coding-DNA position 556, G replaced by T.
Protein change: p.Asp186Tyr; replaces aspartic acid 186 with tyrosine.
Molecular consequence: missense variant.
Genome position (GRCh38, 1-based): chr7:152,648,929, C>A on the plus strand (G>T on the coding strand, the complement: XRCC2 is on the minus strand). VCF-style: chr7-152648929-C-A. GRCh37 (hg19) VCF-style: chr7-152346014-C-A.
Other names: short protein forms D186Y.
Identifiers: ClinVar variation 1474653 (VCV001474653.8), dbSNP rs2116987575, ClinGen allele CA370198435.